The following is an entry in ClinVar:

ClinVar aggregate classification (germline): Likely benign (1 of 4 stars; one submission).

Allele frequency attached by ClinVar (database versions not stated): gnomAD exomes below 0.00001.
gnomAD v4.1: 1 of 1,613,318 alleles (0.000062%); highest among the groups gnomAD compares: South Asian, 0.0011%; no homozygotes.

Submission:

Laboratory for Molecular Medicine, Mass General Brigham Personalized Medicine
Classification: Likely benign. Last evaluated: 2018-04-27. Review status: criteria provided, single submitter. Criteria: LMM Criteria. Collection method: clinical testing. Allele origin: germline. Observed: 4 variant alleles.
Comment: The p.Ala3775Thr variant in TTN is classified as likely benign because it was id entified in an individual who carried a likely pathogenic variant in ACTC1 suffi cient to explain their cardiomyopathy. In addition, this variant did not segrega te with disease in 2 affected family members. ACMG/AMP Criteria applied: BS4; BP 5.

NM_001267550.2(TTN):c.12037G>A (p.Ala4013Thr)

Gene: TTN (titin; minus strand). Cytogenetic location: 2q31.2.
Variant type: single nucleotide variant.
Coding change: c.12037G>A on transcript NM_001267550.2 (MANE Select); coding-DNA position 12037, G replaced by A.
Protein change: p.Ala4013Thr; replaces alanine 4013 with threonine.
Molecular consequence: missense variant. On other transcripts: intron variant (1).
Genome position (GRCh38, 1-based): chr2:178,741,196, C>T on the plus strand (G>A on the coding strand, the complement: TTN is on the minus strand). VCF-style: chr2-178741196-C-T. GRCh37 (hg19) VCF-style: chr2-179605923-C-T.
Other names: c.11323G>A, p.Ala3775Thr (NM_133432.3); c.11086G>A, p.Ala3696Thr (NM_001256850.1); c.10948G>A, p.Ala3650Thr (NM_003319.4); c.11524G>A, p.Ala3842Thr (NM_133437.4); c.10361-2836G>A (NM_133378.4); short protein forms A4013T, A3775T, A3696T, A3842T, A3650T.
Identifiers: ClinVar variation 47815 (VCV000047815.5), dbSNP rs397517828, ClinGen allele CA141963.